The following is an entry in ClinVar:

NM_032590.5(KDM2B):c.855C>T (p.Asp285=)

Gene: KDM2B (lysine demethylase 2B; minus strand). Cytogenetic location: 12q24.31.
Variant type: single nucleotide variant.
Coding change: c.855C>T on transcript NM_032590.5 (MANE Select); coding-DNA position 855, C replaced by T.
Protein change: p.Asp285=; no amino-acid change (aspartic acid 285 retained).
Molecular consequence: synonymous variant.
Genome position (GRCh38, 1-based): chr12:121,532,882, G>A on the plus strand (C>T on the coding strand, the complement: KDM2B is on the minus strand). VCF-style: chr12-121532882-G-A. GRCh37 (hg19) VCF-style: chr12-121970787-G-A.
Other names: c.762C>T, p.Asp254= (NM_001005366.2, NM_001439020.1, NM_001439025.1 and 1 more transcripts); c.951C>T, p.Asp317= (NM_001439014.1, NM_001439015.1); c.855C>T, p.Asp285= (NM_001439016.1, NM_001439017.1, NM_001439018.1); c.744C>T, p.Asp248= (NM_001439021.1, NM_001439028.1); c.792C>T, p.Asp264= (NM_001439022.1, NM_001439023.1, NM_001439029.1).
Identifiers: ClinVar variation 4085488 (VCV004085488.8).

ClinVar aggregate classification (germline): Uncertain significance (1 of 4 stars; one submission).

gnomAD v4.1: 1 of 1,614,216 alleles (0.000062%); highest among the groups gnomAD compares: African/African-American, 0.0013%; no homozygotes.

Submission:

CeGaT Center for Human Genetics Tuebingen
Classification: Uncertain significance. Last evaluated: 2025-07-01. Review status: criteria provided, single submitter. Criteria: CeGaT Center For Human Genetics Tuebingen Variant Classification Criteria Version 2. Collection method: clinical testing. Allele origin: germline. Affected: yes. Observed: 1 variant allele.
Comment: KDM2B: PM2, BP4